The following is an entry in ClinVar:

NM_000057.4(BLM):c.3175C>G (p.Pro1059Ala)

Gene: BLM (BLM RecQ like helicase; plus strand). Cytogenetic location: 15q26.1.
Variant type: single nucleotide variant.
Coding change: c.3175C>G on transcript NM_000057.4 (MANE Select); coding-DNA position 3175, C replaced by G.
Protein change: p.Pro1059Ala; replaces proline 1059 with alanine.
Molecular consequence: missense variant.
Genome position (GRCh38, 1-based): chr15:90,794,322, C>G. VCF-style: chr15-90794322-C-G. GRCh37 (hg19) VCF-style: chr15-91337552-C-G.
Other names: c.3175C>G, p.Pro1059Ala (NM_001287246.2, NM_001287247.2); c.2050C>G, p.Pro684Ala (NM_001287248.2); short protein forms P684A, P1059A.
Identifiers: ClinVar variation 2566820 (VCV002566820.3), dbSNP rs2151187409, ClinGen allele CA393847005.

ClinVar aggregate classification (germline): Uncertain significance. Review status: criteria provided, multiple submitters, no conflicts (2 of 4 stars). 2 submissions from 2 submitters: Uncertain significance (2). Last evaluated 2025-06-22.

Conditions:
Hereditary cancer-predisposing syndrome. Also called: Hereditary neoplastic syndrome; Hereditary Cancer Syndrome; Neoplastic Syndromes, Hereditary; Tumor predisposition. Identifiers: Orphanet 140162, MedGen C0027672, MeSH D009386, MONDO:0015356.
Bloom syndrome (BLM). Also called: Bloom-Torre-Machacek syndrome. Identifiers: Orphanet 125, MedGen C0005859, MONDO:0008876, OMIM 210900.

Submissions (2):

Labcorp Genetics (formerly Invitae), Labcorp
Classification: Uncertain significance for Bloom syndrome. Last evaluated: 2025-06-22. Review status: criteria provided, single submitter. Criteria: Invitae Variant Classification Sherloc (09022015). Collection method: clinical testing. Allele origin: germline.
Comment: This sequence change replaces proline, which is neutral and non-polar, with alanine, which is neutral and non-polar, at codon 1059 of the BLM protein (p.Pro1059Ala). This variant is not present in population databases (gnomAD no frequency). This variant has not been reported in the literature in individuals affected with BLM-related conditions. ClinVar contains an entry for this variant (Variation ID: 2566820). Invitae Evidence Modeling of protein sequence and biophysical properties (such as structural, functional, and spatial information, amino acid conservation, physicochemical variation, residue mobility, and thermodynamic stability) indicates that this missense variant is not expected to disrupt BLM protein function with a negative predictive value of 80%. In summary, the available evidence is currently insufficient to determine the role of this variant in disease. Therefore, it has been classified as a Variant of Uncertain Significance.

Ambry Genetics
Classification: Uncertain significance for Hereditary cancer-predisposing syndrome. Last evaluated: 2023-04-08. Review status: criteria provided, single submitter. Criteria: Ambry Variant Classification Scheme 2023. Collection method: clinical testing. Allele origin: germline.
Comment: The p.P1059A variant (also known as c.3175C>G), located in coding exon 15 of the BLM gene, results from a C to G substitution at nucleotide position 3175. The proline at codon 1059 is replaced by alanine, an amino acid with highly similar properties. This amino acid position is conserved. In addition, this alteration is predicted to be tolerated by in silico analysis. Since supporting evidence is limited at this time, the clinical significance of this alteration remains unclear.